The following is an entry in ClinVar:

NM_206933.4(USH2A):c.9425G>T (p.Gly3142Val)

Gene: USH2A (usherin; minus strand). Cytogenetic location: 1q41.
Variant type: single nucleotide variant.
Coding change: c.9425G>T on transcript NM_206933.4 (MANE Select); coding-DNA position 9425, G replaced by T.
Protein change: p.Gly3142Val; replaces glycine 3142 with valine.
Molecular consequence: missense variant.
Genome position (GRCh38, 1-based): chr1:215,817,142, C>A on the plus strand (G>T on the coding strand, the complement: USH2A is on the minus strand). VCF-style: chr1-215817142-C-A. GRCh37 (hg19) VCF-style: chr1-215990484-C-A.
Other names: c.9425G>T (NM_206933.2); short protein forms G3142V.
Identifiers: ClinVar variation 2428231 (VCV002428231.7), dbSNP rs1003254008, ClinGen allele CA37428113.

ClinVar aggregate classification (germline): Uncertain significance. Review status: criteria provided, multiple submitters, no conflicts (2 of 4 stars). 2 submissions from 2 submitters: Uncertain significance (2). Last evaluated 2024-11-14.

Conditions:
Inborn genetic diseases. Identifiers: MedGen C0950123, MeSH D030342.

Allele frequency attached by ClinVar (database versions not stated): TOPMed 0.00001.

Submissions (2):

Ambry Genetics
Classification: Uncertain significance for Inborn genetic diseases. Last evaluated: 2024-11-14. Review status: criteria provided, single submitter. Criteria: Ambry Variant Classification Scheme 2023. Collection method: clinical testing. Allele origin: germline.

Labcorp Genetics (formerly Invitae), Labcorp
Classification: Uncertain significance. Last evaluated: 2024-11-11. Review status: criteria provided, single submitter. Criteria: Invitae Variant Classification Sherloc (09022015). Collection method: clinical testing. Allele origin: germline.
Comment: This sequence change replaces glycine, which is neutral and non-polar, with valine, which is neutral and non-polar, at codon 3142 of the USH2A protein (p.Gly3142Val). This variant is not present in population databases (gnomAD no frequency). This variant has not been reported in the literature in individuals affected with USH2A-related conditions. ClinVar contains an entry for this variant (Variation ID: 2428231). Invitae Evidence Modeling of protein sequence and biophysical properties (such as structural, functional, and spatial information, amino acid conservation, physicochemical variation, residue mobility, and thermodynamic stability) indicates that this missense variant is expected to disrupt USH2A protein function with a positive predictive value of 95%. In summary, the available evidence is currently insufficient to determine the role of this variant in disease. Therefore, it has been classified as a Variant of Uncertain Significance.